The following is an entry in ClinVar:

NM_001388492.1(HTT):c.7949C>T (p.Ser2650Leu)

Gene: HTT (huntingtin; plus strand). Cytogenetic location: 4p16.3.
Variant type: single nucleotide variant.
Coding change: c.7949C>T on transcript NM_001388492.1 (MANE Select); coding-DNA position 7949, C replaced by T.
Protein change: p.Ser2650Leu; replaces serine 2650 with leucine.
Molecular consequence: missense variant.
Genome position (GRCh38, 1-based): chr4:3,228,715, C>T. VCF-style: chr4-3228715-C-T. GRCh37 (hg19) VCF-style: chr4-3230442-C-T.
Other names: c.7955C>T, p.Ser2652Leu (NM_002111.8); short protein forms S2652L, S2650L.
Identifiers: ClinVar variation 1490502 (VCV001490502.6), dbSNP rs750624963, ClinGen allele CA2825545.

ClinVar aggregate classification (germline): Uncertain significance (1 of 4 stars; one submission).

Allele frequency attached by ClinVar (database versions not stated): TOPMed below 0.00001; ExAC 0.00001; gnomAD 0.00001; gnomAD exomes 0.00001.
gnomAD v4.1: 13 of 1,605,422 alleles (0.00081%); highest among the groups gnomAD compares: South Asian, 0.0011%; no homozygotes.

Submission:

Labcorp Genetics (formerly Invitae), Labcorp
Classification: Uncertain significance. Last evaluated: 2021-02-17. Review status: criteria provided, single submitter. Criteria: Invitae Variant Classification Sherloc (09022015). Collection method: clinical testing. Allele origin: germline.
Comment: In summary, the available evidence is currently insufficient to determine the role of this variant in disease. Therefore, it has been classified as a Variant of Uncertain Significance. Experimental studies and prediction algorithms are not available or were not evaluated, and the functional significance of this variant is currently unknown. This variant has not been reported in the literature in individuals with HTT-related conditions. This variant is present in population databases (rs750624963, ExAC 0.002%). This sequence change replaces serine with leucine at codon 2652 of the HTT protein (p.Ser2652Leu). The serine residue is weakly conserved and there is a large physicochemical difference between serine and leucine.